The following is an entry in ClinVar:

ClinVar aggregate classification (germline): Pathogenic (1 of 4 stars; one submission).

Conditions:
Polycystic kidney disease, adult type (PKD1). Also called: Polycystic Kidney, Autosomal Dominant; POLYCYSTIC KIDNEY DISEASE, ADULT, TYPE I; Polycystic Kidney Disease 1, Autosomal Dominant; Polycystic kidney disease 1; Polycystic kidney disease 1, severe; POLYCYSTIC KIDNEY DISEASE 1 WITH OR WITHOUT POLYCYSTIC LIVER DISEASE. Identifiers: MedGen C3149841, MONDO:0008263, OMIM 173900.

Submission:

Victorian Clinical Genetics Services, Murdoch Childrens Research Institute
Classification: Pathogenic for Polycystic kidney disease, adult type. Last evaluated: 2025-08-27. Review status: criteria provided, single submitter. Criteria: ACMG Guidelines, 2015. Collection method: clinical testing. Allele origin: germline. Affected: yes.
Comment: This variant is classified as Pathogenic. Evidence in support of pathogenic classification: Variant is predicted to cause nonsense-mediated decay (NMD) and loss of protein (premature termination codon is located at least 54 nucleotides upstream of the final exon-exon junction); Variant is absent from gnomAD (v2, v3 and v4); This variant has limited previous evidence of pathogenicity. It has been identified in at least one individual with ADPKD (PMID: 22383692); Other NMD variant(s) comparable to the one identified in this case have very strong previous evidence for pathogenicity (DECIPHER). Additional information: This variant is heterozygous; This gene is associated with autosomal dominant disease. Polycystic kidney disease 1 (MIM#173900) is predominantly caused by monoallelic variants, with rare reports of biallelic variants causing disease (OMIM); Loss of function is a known mechanism of disease in this gene and is associated with polycystic kidney disease 1 (MIM#173900); Inheritance information for this variant is not currently available in this individual.

NM_001009944.3(PKD1):c.10808G>A (p.Trp3603Ter)

Genes: PKD1 (polycystin 1, transient receptor potential channel interacting; minus strand), PKD1-AS1 (PKD1 antisense RNA 1; plus strand). Cytogenetic location: 16p13.3.
Variant type: single nucleotide variant.
Coding change: c.10808G>A on transcript NM_001009944.3 (MANE Select); coding-DNA position 10808, G replaced by A.
Protein change: p.Trp3603Ter; replaces tryptophan 3603 with a stop codon.
Molecular consequence: nonsense.
Genome position (GRCh38, 1-based): chr16:2,093,824, C>T on the plus strand (G>A on the coding strand, the complement: PKD1 is on the minus strand). VCF-style: chr16-2093824-C-T. GRCh37 (hg19) VCF-style: chr16-2143825-C-T.
Other names: c.10805G>A, p.Trp3602Ter (NM_000296.4); short protein forms W3602*, W3603*.
Identifiers: ClinVar variation 4531543 (VCV004531543.1).